The following is an entry in ClinVar:

NM_032638.5(GATA2):c.229G>A (p.Ala77Thr)

Gene: GATA2 (GATA binding protein 2; minus strand). Cytogenetic location: 3q21.3.
Variant type: single nucleotide variant.
Coding change: c.229G>A on transcript NM_032638.5 (MANE Select); coding-DNA position 229, G replaced by A.
Protein change: p.Ala77Thr; replaces alanine 77 with threonine.
Molecular consequence: missense variant.
Genome position (GRCh38, 1-based): chr3:128,486,803, C>T on the plus strand (G>A on the coding strand, the complement: GATA2 is on the minus strand). VCF-style: chr3-128486803-C-T. GRCh37 (hg19) VCF-style: chr3-128205646-C-T.
Other names: c.229G>A, p.Ala77Thr (NM_001145661.2, NM_001145662.1); short protein forms A77T.
Identifiers: ClinVar variation 4262103 (VCV004262103.1).
Genomic context (GRCh38, chr3:128,486,803, plus strand): 5'-TCCCCTCCCTCGCCTGGCGCGCGGCGCCTGGGTTCTCATCACCACGGGCCCAGTGCTCAC[C>T]GTGCGCGGGGCTGTAGGAGACGCGCGCCCGCGCGTGAGCGGGGTTGGCATAGTAGGGGTT-3'
Protein context (NP_116027.2, residues 67-87): RARVSYSPAH[Ala77Thr]RLTGGQMCRP

ClinVar aggregate classification (germline): Uncertain significance (1 of 4 stars; one submission).

Conditions:
Inborn genetic diseases. Identifiers: MedGen C0950123, MeSH D030342.

gnomAD v4.1: 1 of 1,600,112 alleles (0.000062%); highest among the groups gnomAD compares: Non-Finnish European, 0.000085%; no homozygotes.

Submission:

Ambry Genetics
Classification: Uncertain significance for Inborn genetic diseases. Last evaluated: 2025-06-30. Review status: criteria provided, single submitter. Criteria: Ambry Variant Classification Scheme 2023. Collection method: clinical testing. Allele origin: germline.
Comment: The p.A77T variant (also known as c.229G>A), located in coding exon 1 of the GATA2 gene, results from a G to A substitution at nucleotide position 229. The amino acid change results in alanine to threonine at codon 77, an amino acid with similar properties. However, this change occurs in the last base pair of coding exon 1, which makes it likely to have some effect on normal mRNA splicing. This nucleotide position is highly conserved in available vertebrate species. This amino acid position is highly conserved in available vertebrate species. In silico splice site analysis predicts that this alteration will not have any significant effect on splicing; however, direct evidence is insufficient at this time (Ambry internal data). In addition, as a missense substitution this is predicted to be inconclusive by in silico analysis. Based on the available evidence, the clinical significance of this variant remains unclear.